The following is an entry in ClinVar:

NM_000143.4(FH):c.947del (p.Ala316fs)

Gene: FH (fumarate hydratase; minus strand). Cytogenetic location: 1q43.
Variant type: Deletion.
Coding change: c.947del on transcript NM_000143.4 (MANE Select); coding-DNA position 947, one base deleted (C; older notation c.947delC).
Protein change: p.Ala316fs; shifts the reading frame from alanine 316.
Molecular consequence: frameshift variant.
Genome position (GRCh38, 1-based): chr1:241,504,203, G deleted on the plus strand (C on the coding strand, the reverse complement: FH is on the minus strand). VCF-style (leftmost placement, unchanged base first): chr1-241504202-AG-A. GRCh37 (hg19) VCF-style: chr1-241667502-AG-A.
Other names: short protein forms A316fs.
Identifiers: ClinVar variation 632105 (VCV000632105.6), dbSNP rs1558397845, ClinGen allele CA913189954.

ClinVar aggregate classification (germline): Pathogenic (1 of 4 stars; one submission).

Submission:

Labcorp Genetics (formerly Invitae), Labcorp
Classification: Pathogenic. Last evaluated: 2024-03-18. Review status: criteria provided, single submitter. Criteria: Invitae Variant Classification Sherloc (09022015). Collection method: clinical testing. Allele origin: germline.
Comment: This sequence change creates a premature translational stop signal (p.Ala316Valfs*13) in the FH gene. It is expected to result in an absent or disrupted protein product. Loss-of-function variants in FH are known to be pathogenic (PMID: 11865300, 21398687). This variant is not present in population databases (gnomAD no frequency). This variant has not been reported in the literature in individuals affected with FH-related conditions. ClinVar contains an entry for this variant (Variation ID: 632105). For these reasons, this variant has been classified as Pathogenic.

Literature cited by the submitters: PubMed 11865300; PubMed 21398687.